The following is an entry in ClinVar:

ClinVar aggregate classification (germline): Likely benign. Review status: criteria provided, multiple submitters, no conflicts (2 of 4 stars). 3 submissions from 3 submitters: Likely benign (3). Last evaluated 2026-03-09.

Conditions:
ADGRV1-related disorder. Also called: ADGRV1-related disorders; ADGRV1-related condition.

Allele frequency attached by ClinVar (database versions not stated): ExAC 0.00002.
gnomAD v4.1: 4 of 1,613,732 alleles (0.00025%); highest among the groups gnomAD compares: Admixed American, 0.0067%; no homozygotes.

Submissions (3):

Women's Health and Genetics/Laboratory Corporation of America, LabCorp
Classification: Likely benign. Last evaluated: 2026-03-09. Review status: criteria provided, single submitter. Criteria: LabCorp Variant Classification Summary - May 2015. Collection method: clinical testing. Allele origin: germline.

PreventionGenetics, part of Exact Sciences
Classification: Likely benign for ADGRV1-related condition. Last evaluated: 2026-02-17. Review status: criteria provided, single submitter. Criteria: ACMG Guidelines, 2015. Collection method: clinical testing. Allele origin: germline.
Comment: This variant is classified as likely benign based on ACMG/AMP sequence variant interpretation guidelines (Richards et al. 2015 PMID: 25741868, with internal and published modifications).

Labcorp Genetics (formerly Invitae), Labcorp
Classification: Likely benign. Last evaluated: 2024-01-29. Review status: criteria provided, single submitter. Criteria: Invitae Variant Classification Sherloc (09022015). Collection method: clinical testing. Allele origin: germline.

NM_032119.4(ADGRV1):c.16212C>T (p.Val5404=)

Gene: ADGRV1 (adhesion G protein-coupled receptor V1; plus strand). Cytogenetic location: 5q14.3.
Variant type: single nucleotide variant.
Coding change: c.16212C>T on transcript NM_032119.4 (MANE Select); coding-DNA position 16212, C replaced by T.
Protein change: p.Val5404=; no amino-acid change (valine 5404 retained).
Molecular consequence: synonymous variant. On other transcripts: non-coding transcript variant (1).
Genome position (GRCh38, 1-based): chr5:90,823,440, C>T. VCF-style: chr5-90823440-C-T. GRCh37 (hg19) VCF-style: chr5-90119257-C-T.
Other names: c.16212C>T (NM_032119.3).
Identifiers: ClinVar variation 2168818 (VCV002168818.6), dbSNP rs759436638, ClinGen allele CA3342084.